The following is an entry in ClinVar:

ClinVar aggregate classification (germline): Uncertain significance (1 of 4 stars; one submission).

Submission:

Labcorp Genetics (formerly Invitae), Labcorp
Classification: Uncertain significance. Last evaluated: 2021-06-18. Review status: criteria provided, single submitter. Criteria: Invitae Variant Classification Sherloc (09022015). Collection method: clinical testing. Allele origin: germline.
Comment: This variant, c.2183_2185del, results in the deletion of 1 amino acid(s) of the KMT5B protein (p.Ser728del), but otherwise preserves the integrity of the reading frame. In summary, the available evidence is currently insufficient to determine the role of this variant in disease. Therefore, it has been classified as a Variant of Uncertain Significance. Experimental studies and prediction algorithms are not available or were not evaluated, and the functional significance of this variant is currently unknown. This variant has not been reported in the literature in individuals with KMT5B-related conditions. This variant is present in population databases (rs765948681, ExAC 0.001%).

NM_017635.5(KMT5B):c.2177GCA[2] (p.Ser728del)

Gene: KMT5B (lysine methyltransferase 5B; minus strand). Cytogenetic location: 11q13.2.
Variant type: Microsatellite.
Coding change: c.2177GCA[2] on transcript NM_017635.5 (MANE Select); two copies in a row of the 3-base unit GCA starting at c.2177; the reference has three copies in a row; one copy, 3 bases deleted.
Protein change: p.Ser728del; deletes serine 728.
Molecular consequence: inframe deletion.
Genome position (GRCh38, 1-based): chr11:68,158,161-68,158,163, TGC deleted on the plus strand (GCA on the coding strand, the reverse complement: KMT5B is on the minus strand); deleting any 3 consecutive bases within chr11:68,158,161-68,158,170 gives the same sequence; the position shown is the placement nearest the transcript's 3' end. VCF-style (leftmost placement, unchanged base first): chr11-68158160-TTGC-T. GRCh37 (hg19) VCF-style: chr11-67925627-TTGC-T.
Other names: c.1661GCA[2], p.Ser556del (NM_001300907.1, NM_001369428.1, NM_001369429.1 and 4 more transcripts); c.1457GCA[2], p.Ser488del (NM_001300908.2); c.2177GCA[2], p.Ser728del (NM_001369426.1); short protein forms S728del, S556del, S488del.
Identifiers: ClinVar variation 1401661 (VCV001401661.8), dbSNP rs765948681, ClinGen allele CA6148042.
Genomic context (GRCh38, chr11:68,158,160, plus strand): 5'-TTGCTTAACTTGATGCTTATTTTGGAAGAGTTCATTCCATCATTCTCTTGGTCATTTGTT[TTGC>T]TGCTGCTATCATGACGCCTACGAAGAGTCAATTTGGGAATCCCAGAGTTATTTTCTAGGA-3'